The following is an entry in ClinVar:

NM_006735.4(HOXA2):c.193C>G (p.Pro65Ala)

Gene: HOXA2 (homeobox A2; minus strand). Cytogenetic location: 7p15.2.
Variant type: single nucleotide variant.
Coding change: c.193C>G on transcript NM_006735.4 (MANE Select); coding-DNA position 193, C replaced by G.
Protein change: p.Pro65Ala; replaces proline 65 with alanine.
Molecular consequence: missense variant.
Genome position (GRCh38, 1-based): chr7:27,102,308, G>C on the plus strand (C>G on the coding strand, the complement: HOXA2 is on the minus strand). VCF-style: chr7-27102308-G-C. GRCh37 (hg19) VCF-style: chr7-27141927-G-C.
Other names: short protein forms P65A.
Identifiers: ClinVar variation 1025270 (VCV001025270.9), dbSNP rs555246646, ClinGen allele CA4196294.

ClinVar aggregate classification (germline): Uncertain significance (1 of 4 stars; one submission).

Allele frequency attached by ClinVar (database versions not stated): gnomAD 0.00001 and 0.00010; TOPMed 0.00003; gnomAD exomes 0.00025; ExAC 0.00030; 1000 Genomes Project 30x 0.00031; 1000 Genomes Project 0.00040.
gnomAD v4.1: 187 of 1,612,272 alleles (0.012%); highest among the groups gnomAD compares: South Asian, 0.19%; 4 homozygotes.

Submission:

Labcorp Genetics (formerly Invitae), Labcorp
Classification: Uncertain significance. Last evaluated: 2017-08-17. Review status: criteria provided, single submitter. Criteria: Invitae Variant Classification Sherloc (09022015). Collection method: clinical testing. Allele origin: germline.
Comment: Algorithms developed to predict the effect of missense changes on protein structure and function (SIFT, PolyPhen-2, Align-GVGD) all suggest that this variant is likely to be disruptive, but these predictions have not been confirmed by published functional studies and their clinical significance is uncertain. This variant has not been reported in the literature in individuals with HOXA2-related disease. This variant is present in population databases (rs555246646, ExAC 0.2%). This sequence change replaces proline with alanine at codon 65 of the HOXA2 protein (p.Pro65Ala). The proline residue is highly conserved and there is a small physicochemical difference between proline and alanine. In summary, the available evidence is currently insufficient to determine the role of this variant in disease. Therefore, it has been classified as a Variant of Uncertain Significance.